The following is an entry in ClinVar:

ClinVar aggregate classification (germline): Likely pathogenic (1 of 4 stars; one submission).

Conditions:
Autosomal recessive limb-girdle muscular dystrophy type 2J (LGMDR10). Also called: MUSCULAR DYSTROPHY, LIMB-GIRDLE, AUTOSOMAL RECESSIVE 10; Limb-girdle muscular dystrophy, type 2J. Identifiers: Orphanet 140922, MedGen C1837342, MONDO:0012127, OMIM 608807.
Dilated cardiomyopathy 1G (CMD1G). Identifiers: Orphanet 154, MedGen C1858763, MONDO:0011400, OMIM 604145.

Submission:

Labcorp Genetics (formerly Invitae), Labcorp
Classification: Likely pathogenic for Dilated cardiomyopathy 1G; Limb-girdle muscular dystrophy, type 2J. Last evaluated: 2019-03-07. Review status: criteria provided, single submitter. Criteria: Invitae Variant Classification Sherloc (09022015). Collection method: clinical testing. Allele origin: germline.
Comment: This sequence change results in a premature translational stop signal in the TTN gene (p.Gly26219Glufs*10). While this is not anticipated to result in nonsense mediated decay, it is expected to create a truncated TTN protein. This variant is not present in population databases (ExAC no frequency). This variant has not been reported in the literature in individuals with TTN-related conditions. This variant is located in the A band of TTN (PMID: 25589632). Truncating variants in this region are significantly overrepresented in patients affected with dilated cardiomyopathy (PMID: 25589632). Truncating variants in this region have also been reported in individuals affected with autosomal recessive centronuclear myopathy (PMID: 23975875). In summary, the currently available evidence indicates that the variant is pathogenic, but additional data are needed to prove that conclusively. Therefore, this variant has been classified as Likely Pathogenic.

Literature cited by the submitters: PubMed 23975875; PubMed 25589632.

NM_001267550.2(TTN):c.78656del (p.Gly26219fs)

Genes: TTN (titin; minus strand), TTN-AS1 (TTN antisense RNA 1; plus strand). Cytogenetic location: 2q31.2.
Variant type: Deletion.
Coding change: c.78656del on transcript NM_001267550.2 (MANE Select); coding-DNA position 78656, one base deleted (G; older notation c.78656delG).
Protein change: p.Gly26219fs; shifts the reading frame from glycine 26219.
Molecular consequence: frameshift variant.
Genome position (GRCh38, 1-based): chr2:178,567,476, C deleted on the plus strand (G on the coding strand, the reverse complement: TTN is on the minus strand); the first of 2 consecutive C bases (chr2:178,567,476-178,567,477); deleting either gives the same sequence. VCF-style (leftmost placement, unchanged base first): chr2-178567475-TC-T. GRCh37 (hg19) VCF-style: chr2-179432202-TC-T.
Other names: c.73733del, p.Gly24578fs (NM_001256850.1); c.51461del, p.Gly17154fs (NM_003319.4); c.70952del, p.Gly23651fs (NM_133378.4); c.51836del, p.Gly17279fs (NM_133432.3); c.52037del, p.Gly17346fs (NM_133437.4); short protein forms G17154fs, G17279fs, G24578fs, G26219fs, G17346fs, G23651fs.
Identifiers: ClinVar variation 850373 (VCV000850373.1), dbSNP rs1706331057, ClinGen allele CA916081327.